The following is an entry in ClinVar:

NM_001099922.3(ALG13):c.1694A>G (p.Tyr565Cys)

Gene: ALG13 (ALG13 UDP-N-acetylglucosaminyltransferase subunit; plus strand). Cytogenetic location: Xq23.
Variant type: single nucleotide variant.
Coding change: c.1694A>G on transcript NM_001099922.3 (MANE Select); coding-DNA position 1694, A replaced by G.
Protein change: p.Tyr565Cys; replaces tyrosine 565 with cysteine.
Molecular consequence: missense variant. On other transcripts: non-coding transcript variant (1).
Genome position (GRCh38, 1-based): chrX:111,725,026, A>G. VCF-style: chrX-111725026-A-G. GRCh37 (hg19) VCF-style: chrX-110968254-A-G.
Other names: c.1382A>G, p.Tyr461Cys (NM_001257230.2, NM_001257234.2, NM_001257237.2); c.1460A>G, p.Tyr487Cys (NM_001257231.2); c.1694A>G, p.Tyr565Cys (NM_001324292.2); c.1208A>G, p.Tyr403Cys (NM_001324293.1); c.1694A>G (NM_001099922.2); short protein forms Y403C, Y461C, Y565C, Y487C.
Identifiers: ClinVar variation 1360544 (VCV001360544.8), dbSNP rs1159974001, ClinGen allele CA414252321.

ClinVar aggregate classification (germline): Uncertain significance. Review status: criteria provided, multiple submitters, no conflicts (2 of 4 stars). 2 submissions from 2 submitters: Uncertain significance (2). Last evaluated 2025-02-25.

Conditions:
ALG13-related disorder. Also called: ALG13-related condition.
Developmental and epileptic encephalopathy, 36 (DEE36). Also called: Epileptic encephalopathy, early infantile, 36; Congenital disorder of glycosylation, type Is; ALG13-CDG. Identifiers: Orphanet 324422, MedGen C4317295, MONDO:0010472, OMIM 300884.

Allele frequency attached by ClinVar (database versions not stated): TOPMed 0.00001; gnomAD 0.00001; gnomAD exomes 0.00001.
gnomAD v4.1: 16 of 1,209,802 alleles (0.0013%); highest among the groups gnomAD compares: Non-Finnish European, 0.0018%; no homozygotes.

Submissions (2):

Labcorp Genetics (formerly Invitae), Labcorp
Classification: Uncertain significance for Developmental and epileptic encephalopathy, 36. Last evaluated: 2025-02-25. Review status: criteria provided, single submitter. Criteria: Invitae Variant Classification Sherloc (09022015). Collection method: clinical testing. Allele origin: germline.
Comment: This sequence change replaces tyrosine, which is neutral and polar, with cysteine, which is neutral and slightly polar, at codon 565 of the ALG13 protein (p.Tyr565Cys). This variant is not present in population databases (gnomAD no frequency). This variant has not been reported in the literature in individuals affected with ALG13-related conditions. ClinVar contains an entry for this variant (Variation ID: 1360544). Invitae Evidence Modeling of protein sequence and biophysical properties (such as structural, functional, and spatial information, amino acid conservation, physicochemical variation, residue mobility, and thermodynamic stability) has been performed for this missense variant. However, the output from this modeling did not meet the statistical confidence thresholds required to predict the impact of this variant on ALG13 protein function. In summary, the available evidence is currently insufficient to determine the role of this variant in disease. Therefore, it has been classified as a Variant of Uncertain Significance.

PreventionGenetics, part of Exact Sciences
Classification: Uncertain significance for ALG13-related condition. Last evaluated: 2023-05-17. Review status: criteria provided, single submitter. Criteria: ACMG Guidelines, 2015. Collection method: clinical testing. Allele origin: germline.
Comment: The ALG13 c.1694A>G variant is predicted to result in the amino acid substitution p.Tyr565Cys. To our knowledge, this variant has not been reported in the literature or in a large population database, indicating this variant is rare. At this time, the clinical significance of this variant is uncertain due to the absence of conclusive functional and genetic evidence.